The following is an entry in ClinVar:

NM_000218.3(KCNQ1):c.2012G>A (p.Gly671Asp)

Genes: KCNQ1 (potassium voltage-gated channel subfamily Q member 1; plus strand), KCNQ1-AS1 (KCNQ1 antisense RNA 1; minus strand). Cytogenetic location: 11p15.4.
Variant type: single nucleotide variant.
Coding change: c.2012G>A on transcript NM_000218.3 (MANE Select); coding-DNA position 2012, G replaced by A.
Protein change: p.Gly671Asp; replaces glycine 671 with aspartic acid.
Molecular consequence: missense variant.
Genome position (GRCh38, 1-based): chr11:2,847,984, G>A. VCF-style: chr11-2847984-G-A. GRCh37 (hg19) VCF-style: chr11-2869214-G-A.
Other names: c.1916G>A, p.Gly639Asp (NM_001406836.1); c.1742G>A, p.Gly581Asp (NM_001406837.1); c.1472G>A, p.Gly491Asp (NM_001406838.1); c.524G>A, p.Gly175Asp (NM_001406839.1); c.1631G>A, p.Gly544Asp (NM_181798.2); short protein forms G175D, G491D, G671D, G544D, G581D, G639D.
Identifiers: ClinVar variation 1984659 (VCV001984659.4), dbSNP rs2494327882, ClinGen allele CA379140618.

ClinVar aggregate classification (germline): Uncertain significance (1 of 4 stars; one submission).

Conditions:
Long QT syndrome (LQTS). Identifiers: MedGen C0023976, MeSH D008133, MONDO:0002442. Disease mechanism: loss of function. Inheritance: Various modes of inheritance.

Submission:

Labcorp Genetics (formerly Invitae), Labcorp
Classification: Uncertain significance for Long QT syndrome. Last evaluated: 2025-02-10. Review status: criteria provided, single submitter. Criteria: Invitae Variant Classification Sherloc (09022015). Collection method: clinical testing. Allele origin: germline.
Comment: This sequence change replaces glycine, which is neutral and non-polar, with aspartic acid, which is acidic and polar, at codon 671 of the KCNQ1 protein (p.Gly671Asp). This variant is not present in population databases (gnomAD no frequency). This variant has not been reported in the literature in individuals affected with KCNQ1-related conditions. ClinVar contains an entry for this variant (Variation ID: 1984659). Invitae Evidence Modeling of protein sequence and biophysical properties (such as structural, functional, and spatial information, amino acid conservation, physicochemical variation, residue mobility, and thermodynamic stability) indicates that this missense variant is not expected to disrupt KCNQ1 protein function with a negative predictive value of 95%. In summary, the available evidence is currently insufficient to determine the role of this variant in disease. Therefore, it has been classified as a Variant of Uncertain Significance.